The following is an entry in ClinVar:

ClinVar aggregate classification (germline): Likely pathogenic (1 of 4 stars; one submission).

Submission:

GeneDx
Classification: Likely pathogenic. Last evaluated: 2018-07-27. Review status: criteria provided, single submitter. Criteria: GeneDx Variant Classification (06012015). Collection method: clinical testing. Allele origin: germline. Affected: yes.
Comment: The c.83635_83636delGG variant in the TTN gene has not been published as pathogenic or benign to our knowledge. This variant causes a shift in reading frame starting at codon Glycine 27879, changing it to a Leucine, and creating a premature stop codon at position 12 of the new reading frame, denoted p.Gly27879LeufsX12. This variant is expected to result in either an abnormal, truncated protein product or loss of protein from this allele through nonsense-mediated mRNA decay. Other truncating TTN variants have been reported in approximately 3% of control alleles (Herman et al., 2012). However, c.83635_83636delGG is located in the A-band region of titin, where the majority of truncating pathogenic variants associated with DCM have been reported (Herman et al., 2012). Moreover, the c.83635_83636delGG variant is not observed in large population cohorts (Lek et al., 2016).

NM_001267550.2(TTN):c.88558_88559del (p.Gly29520fs)

Genes: TTN (titin; minus strand), TTN-AS1 (TTN antisense RNA 1; plus strand). Cytogenetic location: 2q31.2.
Variant type: Deletion.
Coding change: c.88558_88559del on transcript NM_001267550.2 (MANE Select); coding-DNA positions 88558 to 88559, 2 bases deleted (GG; older notation c.88558_88559delGG).
Protein change: p.Gly29520fs; shifts the reading frame from glycine 29520.
Molecular consequence: frameshift variant.
Genome position (GRCh38, 1-based): chr2:178,554,900-178,554,901, CC deleted on the plus strand (GG on the coding strand, the reverse complement: TTN is on the minus strand); deleting any 2 consecutive bases within chr2:178,554,900-178,554,902 gives the same sequence; the c. name uses the placement nearest the transcript's 3' end. VCF-style (leftmost placement, unchanged base first): chr2-178554899-GCC-G. GRCh37 (hg19) VCF-style: chr2-179419626-GCC-G.
Other names: c.83635_83636del, p.Gly27879fs (NM_001256850.1); c.61363_61364del, p.Gly20455fs (NM_003319.4); c.80854_80855del, p.Gly26952fs (NM_133378.4); c.61738_61739del, p.Gly20580fs (NM_133432.3); c.61939_61940del, p.Gly20647fs (NM_133437.4); c.83635_83636delGG (NM_001256850.1); short protein forms G29520fs, G20455fs, G20647fs, G26952fs, G20580fs, G27879fs.
Identifiers: ClinVar variation 817168 (VCV000817168.1), dbSNP rs1575551371, ClinGen allele CA915942187.